The following is an entry in ClinVar:

ClinVar aggregate classification (germline): Pathogenic/Likely pathogenic. Review status: criteria provided, multiple submitters, no conflicts (2 of 4 stars). 5 submissions from 5 submitters: Pathogenic (4); Likely pathogenic (1). Last evaluated 2025-12-15.

Conditions:
CEP290-related disorder. Also called: CEP290-related condition; CEP290-related disorders. Identifiers: MedGen CN239314.
Leber congenital amaurosis (LCA). Also called: Leber's amaurosis. Identifiers: Orphanet 65, MedGen C0339527, MeSH D057130, MONDO:0018998.
CEP290-related ciliopathy. Also called: CEP290 ciliopathy. Identifiers: MedGen CN305601, MONDO:0100451.
Bardet-Biedl syndrome 14 (BBS14). Identifiers: Orphanet 110, MedGen C2673874, MONDO:0014442, OMIM 615991.
Meckel-Gruber syndrome. Also called: Dysencephalia splachnocystica; DYSENCEPHALIA SPLANCHNOCYSTICA; GRUBER SYNDROME. Identifiers: Orphanet 564, MedGen C0265215, MONDO:0018921.
Joubert syndrome. Also called: JOUBERT-BOLTSHAUSER SYNDROME; Familial aplasia of the vermis. Identifiers: Orphanet 475, MedGen C5979921, MONDO:0018772.
Nephronophthisis. Also called: Juvenile Nephronophthisis. Identifiers: Orphanet 655, MedGen C0687120, MONDO:0019005, HP:0000090.

Allele frequency attached by ClinVar (database versions not stated): gnomAD exomes below 0.00001.
gnomAD v4.1: 1 of 1,607,008 alleles (0.000062%); highest among the groups gnomAD compares: East Asian, 0.0023%; no homozygotes.

Submissions (5):

Labcorp Genetics (formerly Invitae), Labcorp
Classification: Pathogenic for Joubert syndrome; Meckel-Gruber syndrome; Nephronophthisis. Last evaluated: 2025-12-15. Review status: criteria provided, single submitter. Criteria: Invitae Variant Classification Sherloc (09022015). Collection method: clinical testing. Allele origin: germline.
Comment: This sequence change creates a premature translational stop signal (p.Leu715*) in the CEP290 gene. It is expected to result in an absent or disrupted protein product. Loss-of-function variants in CEP290 are known to be pathogenic (PMID: 16909394, 17345604, 20690115). This variant is present in population databases (no rsID available, gnomAD 0.006%). This premature translational stop signal has been observed in individual(s) with Leber congenital amaurosis, Meckel syndrome (PMID: 27375279, 31840411, 31964843, 35314707). ClinVar contains an entry for this variant (Variation ID: 2680594). For these reasons, this variant has been classified as Pathogenic.

Natera, Inc.
Classification: Pathogenic for Leber congenital amaurosis. Last evaluated: 2024-12-13. Review status: criteria provided, single submitter. Criteria: Natera Variant Classification Schema (03/2026). Collection method: clinical testing. Allele origin: germline.
Comment: The c.2144T>G variant in CEP290 is a nonsense variant predicted to introduce a stop codon at amino acid 715. This variant is expected to result in nonsense mediated decay, truncation, or a dysfunctional protein product. This variant is rare in the general population with a frequency below the threshold expected for the associated phenotype(s). This variant has been observed in one or more individuals affected with the associated recessive disease, as either homozygous or compound heterozygous with a second variant (PMID: 27375279). Given the available evidence, this variant is classified as Pathogenic.

Myriad Genetics, Inc.
Classification: Pathogenic for CEP290-related ciliopathy. Last evaluated: 2024-06-02. Review status: criteria provided, single submitter. Criteria: Myriad Autosomal Dominant, Autosomal Recessive and X-Linked Classification Criteria (2023). Collection method: clinical testing. Allele origin: unknown.
Comment: NM_025114.3(CEP290):c.2144T>G(L715*) is expected to be pathogenic in the context of CEP290-related disorders. This variant is predicted to lead to an abnormal or absent protein product due to the creation of a premature termination codon in CEP290, a gene where loss-of-function variants are known to be pathogenic. Please note: this variant was assessed in the context of healthy population screening.

Baylor Genetics
Classification: Pathogenic for Bardet-Biedl syndrome 14. Last evaluated: 2023-08-02. Review status: criteria provided, single submitter. Criteria: ACMG Guidelines, 2015. Collection method: clinical testing. Allele origin: unknown.

Blueprint Genetics
Classification: Likely pathogenic for CEP290-related disorders. Last evaluated: 2022-08-26. Review status: criteria provided, single submitter. Criteria: ACMG Guidelines, 2015. Collection method: clinical testing. Allele origin: germline. Affected: yes. Observed: 2 variant alleles.

Literature cited by the submitters: PubMed 16909394 (cited by Labcorp Genetics (formerly Invitae), Labcorp); PubMed 17345604 (cited by Labcorp Genetics (formerly Invitae), Labcorp); PubMed 20690115 (cited by Labcorp Genetics (formerly Invitae), Labcorp); PubMed 27375279 (cited by Labcorp Genetics (formerly Invitae), Labcorp and Natera, Inc.); PubMed 31840411 (cited by Labcorp Genetics (formerly Invitae), Labcorp); PubMed 31964843 (cited by Labcorp Genetics (formerly Invitae), Labcorp); PubMed 35314707 (cited by Labcorp Genetics (formerly Invitae), Labcorp).

NM_025114.4(CEP290):c.2144T>G (p.Leu715Ter)

Gene: CEP290 (centrosomal protein 290; minus strand). Cytogenetic location: 12q21.32.
Variant type: single nucleotide variant.
Coding change: c.2144T>G on transcript NM_025114.4 (MANE Select); coding-DNA position 2144, T replaced by G.
Protein change: p.Leu715Ter; replaces leucine 715 with a stop codon.
Molecular consequence: nonsense.
Genome position (GRCh38, 1-based): chr12:88,111,767, A>C on the plus strand (T>G on the coding strand, the complement: CEP290 is on the minus strand). VCF-style: chr12-88111767-A-C. GRCh37 (hg19) VCF-style: chr12-88505544-A-C.
Other names: c.2144T>G (NM_025114.3); short protein forms L715*.
Identifiers: ClinVar variation 2680594 (VCV002680594.7), dbSNP rs1231122388, ClinGen allele CA385975083.
Genomic context (GRCh38, chr12:88,111,767, plus strand): 5'-TTTGCCAACTGCTGTGAATAATTTATAGCCTCTTTCCGAGATTCCCTGAGCTCCTGTCTT[A>C]ATTCTTCATTTCTTCCGGTAAGCTGATCAACTTGGGCTTTCAAATGCAGACTCGCATCAA-3'